The following is an entry in ClinVar:

NM_000169.3(GLA):c.317_327del (p.Leu106fs)

Genes: GLA (galactosidase alpha; minus strand), RPL36A-HNRNPH2 (RPL36A-HNRNPH2 readthrough; plus strand). Cytogenetic location: Xq22.1.
Variant type: Deletion.
Coding change: c.317_327del on transcript NM_000169.3 (MANE Select); coding-DNA positions 317 to 327, 11 bases deleted (TTCAGGCAGAC).
Protein change: p.Leu106fs; shifts the reading frame from leucine 106.
Molecular consequence: frameshift variant. On other transcripts: non-coding transcript variant (3), intron variant (2).
Genome position (GRCh38, 1-based): chrX:101,403,853-101,403,863, GTCTGCCTGAA deleted on the plus strand (TTCAGGCAGAC on the coding strand, the reverse complement: GLA is on the minus strand); deleting any 11 consecutive bases within chrX:101,403,853-101,403,871 gives the same sequence; the c. name uses the placement nearest the transcript's 3' end. VCF-style (leftmost placement, unchanged base first): chrX-101403852-GGTCTGCCTGAA-G. GRCh37 (hg19) VCF-style: chrX-100658840-GGTCTGCCTGAA-G.
Other names: c.440_450del, p.Leu147fs (NM_001406747.1, NM_001406749.1); c.317_327del, p.Leu106fs (NM_001406748.1); c.301-8075_301-8065del (NM_001199973.2); c.178-8075_178-8065del (NM_001199974.2); short protein forms L106fs, L147fs.
Identifiers: ClinVar variation 4086943 (VCV004086943.2), dbSNP rs869312276.

ClinVar aggregate classification (germline): Pathogenic (1 of 4 stars; one submission).

Conditions:
Fabry disease. Also called: ALPHA-GALACTOSIDASE A DEFICIENCY; ANDERSON-FABRY DISEASE; CERAMIDE TRIHEXOSIDASE DEFICIENCY; GLA DEFICIENCY; HEREDITARY DYSTOPIC LIPIDOSIS; Angiokeratoma corporis diffusum. Identifiers: Orphanet 324, MedGen C0002986, MONDO:0010526, OMIM 301500, HP:0001071. Disease mechanism: Fabry disease is due to inactivating mutations in the X-linked GLA gene resulting in deficiency of the enzyme Alpha Galactosidase-A., loss of function.

Submission:

Genomenon, Inc
Classification: Pathogenic for Fabry disease. Last evaluated: 2026-09-08. Review status: criteria provided, single submitter. Criteria: Genomenon Sequence Variant Interpretation Standards - Updated. Collection method: curation. Allele origin: germline. Affected: yes.
Comment: GLA p.Leu106ProfsTer13 (c.317_327del) is a frameshift variant that is predicted to introduce a premature termination codon and result in a truncated or absent protein product. This variant has been observed in at least one proband with clinical features consistent with Fabry disease (PMID:8996967;20022777;31292888). Functional or patient cell studies have been reported (PMID:31292888). It is absent or not present at a significant frequency in gnomAD. In conclusion, we classify GLA p.Leu106ProfsTer13 (c.317_327del) as a pathogenic variant.

Literature cited by the submitters: PubMed 8996967; PubMed 20022777; PubMed 31292888.